The following is an entry in ClinVar:

ClinVar aggregate classification (germline): Likely pathogenic. Review status: criteria provided, multiple submitters, no conflicts (2 of 4 stars). 4 submissions from 4 submitters: Likely pathogenic (4). Last evaluated 2024-11-03.

Conditions:
Familial cancer of breast. Also called: BREAST CANCER, FAMILIAL; Hereditary breast cancer; hereditary breast carcinoma. Identifiers: Orphanet 227535, MedGen C0346153, MONDO:0016419, OMIM 114480. Disease mechanism: loss of function.
Hereditary cancer-predisposing syndrome. Also called: Hereditary neoplastic syndrome; Neoplastic Syndromes, Hereditary; Tumor predisposition; Hereditary Cancer Syndrome. Identifiers: Orphanet 140162, MedGen C0027672, MeSH D009386, MONDO:0015356.
Ataxia-telangiectasia syndrome (AT). Also called: LOUIS-BAR SYNDROME; Cerebello-oculocutaneous telangiectasia; Immunodeficiency with ataxia telangiectasia; AT, COMPLEMENTATION GROUP C; Ataxia-telangiectasia, complementation group D; ATAXIA-TELANGIECTASIA, COMPLEMENTATION GROUP A. Identifiers: Orphanet 100, MedGen C0004135, MONDO:0008840, OMIM 208900.

gnomAD v4.1: 1 of 1,613,264 alleles (0.000062%); highest among the groups gnomAD compares: Non-Finnish European, 0.000085%; no homozygotes.

Submissions (4):

Labcorp Genetics (formerly Invitae), Labcorp
Classification: Likely pathogenic for Ataxia-telangiectasia syndrome. Last evaluated: 2024-11-03. Review status: criteria provided, single submitter. Criteria: Invitae Variant Classification Sherloc (09022015). Collection method: clinical testing. Allele origin: germline.
Comment: This sequence change affects a donor splice site in intron 15 of the ATM gene. It is expected to disrupt RNA splicing. Variants that disrupt the donor or acceptor splice site typically lead to a loss of protein function (PMID: 16199547), and loss-of-function variants in ATM are known to be pathogenic (PMID: 23807571, 25614872). This variant is not present in population databases (gnomAD no frequency). This variant has not been reported in the literature in individuals affected with ATM-related conditions. ClinVar contains an entry for this variant (Variation ID: 485204). Algorithms developed to predict the effect of sequence changes on RNA splicing suggest that this variant may disrupt the consensus splice site. In summary, the currently available evidence indicates that the variant is pathogenic, but additional data are needed to prove that conclusively. Therefore, this variant has been classified as Likely Pathogenic.

Myriad Genetics, Inc.
Classification: Likely pathogenic for Familial cancer of breast. Last evaluated: 2024-01-17. Review status: criteria provided, single submitter. Criteria: Myriad Autosomal Dominant, Autosomal Recessive and X-Linked Classification Criteria (2023). Collection method: clinical testing. Allele origin: unknown.
Comment: This variant is considered likely pathogenic. This variant occurs within a consensus splice junction and is predicted to result in abnormal mRNA splicing of either an out-of-frame exon or an in-frame exon necessary for protein stability and/or normal function.

Clinical Genetics Laboratory, Skane University Hospital Lund
Classification: Likely pathogenic. Last evaluated: 2022-05-27. Review status: criteria provided, single submitter. Criteria: ACMG Guidelines, 2015. Collection method: clinical testing. Allele origin: germline. Affected: yes.

Ambry Genetics
Classification: Likely pathogenic for Hereditary cancer-predisposing syndrome. Last evaluated: 2016-09-01. Review status: criteria provided, single submitter. Criteria: Ambry Variant Classification Scheme 2023. Collection method: clinical testing. Allele origin: germline.
Comment: The c.2376+1G>C intronic variant results from a G to C substitution one nucleotide after coding exon 14 of the ATM gene. This variant was not reported in population based cohorts in the following databases: Database of Single Nucleotide Polymorphisms (dbSNP), NHLBI Exome Sequencing Project (ESP), and 1000 Genomes Project. In the ESP, this variant was not observed in 6499 samples (12998 alleles) with coverage at this position. To date, this alteration has been detected with an allele frequency of approximately 0.001% (greater than 180000 alleles tested) in our clinical cohort. This nucleotide position is highly conserved in available vertebrate species. Using two different splice site prediction tools, this alteration is predicted to abolish the native splice donor site and is predicted to weaken (but not abolish) the efficiency of the native splice donor site by BDGP and ESEfinder, respectively; however, direct evidence is unavailable. Alterations that disrupt the canonical splice site are expected to cause aberrant splicing, resulting in an abnormal protein or a transcript that is subject to nonsense-mediated mRNA decay. As such, this alteration is classified as likely pathogenic.

Literature cited by the submitters: PubMed 16199547 (cited by Labcorp Genetics (formerly Invitae), Labcorp); PubMed 23807571 (cited by Labcorp Genetics (formerly Invitae), Labcorp); PubMed 25614872 (cited by Labcorp Genetics (formerly Invitae), Labcorp).

NM_000051.4(ATM):c.2376+1G>C

Gene: ATM (ATM serine/threonine kinase; plus strand). Cytogenetic location: 11q22.3.
Variant type: single nucleotide variant.
Coding change: c.2376+1G>C on transcript NM_000051.4 (MANE Select); the canonical splice donor site of the intron after coding-DNA position 2376, G replaced by C.
Molecular consequence: splice donor variant.
Genome position (GRCh38, 1-based): chr11:108,257,607, G>C. VCF-style: chr11-108257607-G-C. GRCh37 (hg19) VCF-style: chr11-108128334-G-C.
Other names: c.2376+1G>C (NM_001351834.2).
Identifiers: ClinVar variation 485204 (VCV000485204.11), dbSNP rs730881347, ClinGen allele CA382540429.
Genomic context (GRCh38, chr11:108,257,607, plus strand): 5'-ATTGGTTCCTTGAGAAATATGATGCAGCTATGTACACGTTGCTTGAGCAACTGTACCAAG[G>C]TAAGATTTTCTTCTTCTTGTTTTGTTTTTTGAGATAGGATCTTTCTCTGTCACCCAGGCT-3'